The following is an entry in ClinVar:

NM_175723.2(SSX5):c.424T>A (p.Ser142Thr)

Gene: SSX5 (SSX family member 5; minus strand). Cytogenetic location: Xp11.23.
Variant type: single nucleotide variant.
Coding change: c.424T>A on transcript NM_175723.2 (MANE Select); coding-DNA position 424, T replaced by A.
Protein change: p.Ser142Thr; replaces serine 142 with threonine.
Molecular consequence: missense variant.
Genome position (GRCh38, 1-based): chrX:48,190,175, A>T on the plus strand (T>A on the coding strand, the complement: SSX5 is on the minus strand). VCF-style: chrX-48190175-A-T. GRCh37 (hg19) VCF-style: chrX-48049611-A-T.
Other names: c.547T>A, p.Ser183Thr (NM_021015.4); short protein forms S142T, S183T.
Identifiers: ClinVar variation 4865172 (VCV004865172.1).

ClinVar aggregate classification (germline): Uncertain significance (1 of 4 stars; one submission).

Submission:

Ambry Genetics
Classification: Uncertain significance. Last evaluated: 2026-03-26. Review status: criteria provided, single submitter. Criteria: Ambry Variant Classification Scheme 2023. Collection method: clinical testing. Allele origin: germline.
Comment: The c.547T>A (p.S183T) alteration is located in exon 7 (coding exon 6) of the SSX5 gene. This alteration results from a T to A substitution at nucleotide position 547, causing the serine (S) at amino acid position 183 to be replaced by a threonine (T). Based on data from gnomAD, the A allele has an overall frequency of 0.001% (1/181224) total alleles studied. The highest observed frequency was 0.005% (1/18735) of South Asian alleles. Based on insufficient or conflicting evidence, the clinical significance of this alteration remains unclear.